The following is an entry in ClinVar:

NM_015213.4(DENND5A):c.652G>T (p.Ala218Ser)

Gene: DENND5A (DENN domain containing 5A; minus strand). Cytogenetic location: 11p15.4.
Variant type: single nucleotide variant.
Coding change: c.652G>T on transcript NM_015213.4 (MANE Select); coding-DNA position 652, G replaced by T.
Protein change: p.Ala218Ser; replaces alanine 218 with serine.
Molecular consequence: missense variant. On other transcripts: non-coding transcript variant (1).
Genome position (GRCh38, 1-based): chr11:9,203,957, C>A on the plus strand (G>T on the coding strand, the complement: DENND5A is on the minus strand). VCF-style: chr11-9203957-C-A. GRCh37 (hg19) VCF-style: chr11-9225504-C-A.
Other names: c.652G>T, p.Ala218Ser (NM_001243254.2, NM_001348748.1); c.580G>T, p.Ala194Ser (NM_001348749.2); c.364G>T, p.Ala122Ser (NM_001348750.2); short protein forms A122S, A194S, A218S.
Identifiers: ClinVar variation 2962697 (VCV002962697.3), dbSNP rs748066258, ClinGen allele CA5877779.
Genomic context (GRCh38, chr11:9,203,957, plus strand): 5'-GTGGAGGGGGCTGAGGTGAAGTGACTGCCTGGTGGAGTTGCTCCAGCACGCTCCGACATG[C>A]CTTCATGAAAGACATGGGTGTGATGAGGCAGATGCACTTAGAGACGTAGAGAGTGTCCCG-3'
Protein context (NP_056028.2, residues 208-228): CLITPMSFMK[Ala218Ser]CRSVLEQLHQ

ClinVar aggregate classification (germline): Uncertain significance (1 of 4 stars; one submission).

Allele frequency attached by ClinVar (database versions not stated): ExAC 0.00001; gnomAD 0.00023.
gnomAD v4.1: 53 of 1,613,972 alleles (0.0033%); highest among the groups gnomAD compares: Admixed American, 0.088%; no homozygotes.

Submission:

Labcorp Genetics (formerly Invitae), Labcorp
Classification: Uncertain significance. Last evaluated: 2025-01-06. Review status: criteria provided, single submitter. Criteria: Invitae Variant Classification Sherloc (09022015). Collection method: clinical testing. Allele origin: germline.
Comment: This sequence change replaces alanine, which is neutral and non-polar, with serine, which is neutral and polar, at codon 218 of the DENND5A protein (p.Ala218Ser). This variant is present in population databases (rs748066258, gnomAD 0.05%). This variant has not been reported in the literature in individuals affected with DENND5A-related conditions. ClinVar contains an entry for this variant (Variation ID: 2962697). Invitae Evidence Modeling of protein sequence and biophysical properties (such as structural, functional, and spatial information, amino acid conservation, physicochemical variation, residue mobility, and thermodynamic stability) indicates that this missense variant is not expected to disrupt DENND5A protein function with a negative predictive value of 80%. In summary, the available evidence is currently insufficient to determine the role of this variant in disease. Therefore, it has been classified as a Variant of Uncertain Significance.